The following is an entry in ClinVar:

NM_000875.5(IGF1R):c.3197T>G (p.Leu1066Arg)

Gene: IGF1R (insulin like growth factor 1 receptor; plus strand). Cytogenetic location: 15q26.3.
Variant type: single nucleotide variant.
Coding change: c.3197T>G on transcript NM_000875.5 (MANE Select); coding-DNA position 3197, T replaced by G.
Protein change: p.Leu1066Arg; replaces leucine 1066 with arginine.
Molecular consequence: missense variant.
Genome position (GRCh38, 1-based): chr15:98,935,326, T>G. VCF-style: chr15-98935326-T-G. GRCh37 (hg19) VCF-style: chr15-99478555-T-G.
Other names: c.3194T>G, p.Leu1065Arg (NM_001291858.2); short protein forms L1065R, L1066R.
Identifiers: ClinVar variation 4744986 (VCV004744986.1).

ClinVar aggregate classification (germline): Uncertain significance (1 of 4 stars; one submission).

Submission:

Labcorp Genetics (formerly Invitae), Labcorp
Classification: Uncertain significance. Last evaluated: 2026-01-04. Review status: criteria provided, single submitter. Criteria: Invitae Variant Classification Sherloc (09022015). Collection method: clinical testing. Allele origin: germline.
Comment: This sequence change replaces leucine, which is neutral and non-polar, with arginine, which is basic and polar, at codon 1066 of the IGF1R protein (p.Leu1066Arg). This variant is not present in population databases (gnomAD no frequency). This variant has not been reported in the literature in individuals affected with IGF1R-related conditions. Invitae Evidence Modeling of protein sequence and biophysical properties (such as structural, functional, and spatial information, amino acid conservation, physicochemical variation, residue mobility, and thermodynamic stability) indicates that this missense variant is expected to disrupt IGF1R protein function with a positive predictive value of 80%. In summary, the available evidence is currently insufficient to determine the role of this variant in disease. Therefore, it has been classified as a Variant of Uncertain Significance.